The following is an entry in ClinVar:

ClinVar aggregate classification (germline): Uncertain significance (1 of 4 stars; one submission).

Conditions:
Hereditary cancer-predisposing syndrome. Also called: Tumor predisposition; Hereditary neoplastic syndrome; Hereditary Cancer Syndrome; Neoplastic Syndromes, Hereditary. Identifiers: Orphanet 140162, MedGen C0027672, MeSH D009386, MONDO:0015356.

Submission:

Color Diagnostics, LLC DBA Color Health
Classification: Uncertain significance for Hereditary cancer-predisposing syndrome. Last evaluated: 2023-12-04. Review status: criteria provided, single submitter. Criteria: ACMG Guidelines, 2015. Collection method: clinical testing. Allele origin: germline.
Comment: This missense variant replaces glycine with arginine at codon 53 of the CDH1 protein. To our knowledge, functional studies have not been reported for this variant. This variant has not been reported in individuals affected with hereditary cancer in the literature. This variant has not been identified in the general population by the Genome Aggregation Database (gnomAD). The available evidence is insufficient to determine the role of this variant in disease conclusively. Therefore, this variant is classified as a Variant of Uncertain Significance.

NM_004360.5(CDH1):c.157G>C (p.Gly53Arg)

Gene: CDH1 (cadherin 1; plus strand). Cytogenetic location: 16q22.1.
Variant type: single nucleotide variant.
Coding change: c.157G>C on transcript NM_004360.5 (MANE Select); coding-DNA position 157, G replaced by C.
Protein change: p.Gly53Arg; replaces glycine 53 with arginine.
Molecular consequence: missense variant. On other transcripts: 5 prime UTR variant (2).
Genome position (GRCh38, 1-based): chr16:68,738,405, G>C. VCF-style: chr16-68738405-G-C. GRCh37 (hg19) VCF-style: chr16-68772308-G-C.
Other names: c.157G>C, p.Gly53Arg (NM_001317184.2); c.-1459G>C (NM_001317185.2); c.-1663G>C (NM_001317186.2); short protein forms G53R.
Identifiers: ClinVar variation 1171300 (VCV001171300.4), dbSNP rs2152114486, ClinGen allele CA396452312.